The following is an entry in ClinVar:

ClinVar aggregate classification (germline): Uncertain significance (1 of 4 stars; one submission).

Submission:

Labcorp Genetics (formerly Invitae), Labcorp
Classification: Uncertain significance. Last evaluated: 2022-02-10. Review status: criteria provided, single submitter. Criteria: Invitae Variant Classification Sherloc (09022015). Collection method: clinical testing. Allele origin: germline.
Comment: This sequence change replaces serine, which is neutral and polar, with asparagine, which is neutral and polar, at codon 708 of the HSPG2 protein (p.Ser708Asn). This variant is not present in population databases (gnomAD no frequency). This variant has not been reported in the literature in individuals affected with HSPG2-related conditions. Algorithms developed to predict the effect of missense changes on protein structure and function are either unavailable or do not agree on the potential impact of this missense change (SIFT: "Tolerated"; PolyPhen-2: "Possibly Damaging"; Align-GVGD: "Class C0"). In summary, the available evidence is currently insufficient to determine the role of this variant in disease. Therefore, it has been classified as a Variant of Uncertain Significance.

NM_005529.7(HSPG2):c.2123G>A (p.Ser708Asn)

Gene: HSPG2 (heparan sulfate proteoglycan 2; minus strand). Cytogenetic location: 1p36.12.
Variant type: single nucleotide variant.
Coding change: c.2123G>A on transcript NM_005529.7 (MANE Select); coding-DNA position 2123, G replaced by A.
Protein change: p.Ser708Asn; replaces serine 708 with asparagine.
Molecular consequence: missense variant.
Genome position (GRCh38, 1-based): chr1:21,880,435, C>T on the plus strand (G>A on the coding strand, the complement: HSPG2 is on the minus strand). VCF-style: chr1-21880435-C-T. GRCh37 (hg19) VCF-style: chr1-22206928-C-T.
Other names: c.2126G>A, p.Ser709Asn (NM_001291860.2); short protein forms S708N, S709N.
Identifiers: ClinVar variation 1506378 (VCV001506378.8), dbSNP rs1641405657, ClinGen allele CA338965561.